The following is an entry in ClinVar:

NM_001203.3(BMPR1B):c.1501A>G (p.Lys501Glu)

Gene: BMPR1B (bone morphogenetic protein receptor type 1B; plus strand). Cytogenetic location: 4q22.3.
Variant type: single nucleotide variant.
Coding change: c.1501A>G on transcript NM_001203.3 (MANE Select); coding-DNA position 1501, A replaced by G.
Protein change: p.Lys501Glu; replaces lysine 501 with glutamic acid.
Molecular consequence: missense variant.
Genome position (GRCh38, 1-based): chr4:95,154,665, A>G. VCF-style: chr4-95154665-A-G. GRCh37 (hg19) VCF-style: chr4-96075816-A-G.
Other names: c.1501A>G, p.Lys501Glu (NM_001256792.2, NM_001256794.1); c.1591A>G, p.Lys531Glu (NM_001256793.2); short protein forms K501E, K531E.
Identifiers: ClinVar variation 2278650 (VCV002278650.3), dbSNP rs1229797838, ClinGen allele CA357688336.

ClinVar aggregate classification (germline): Uncertain significance. Review status: criteria provided, multiple submitters, no conflicts (2 of 4 stars). 2 submissions from 2 submitters: Uncertain significance (2). Last evaluated 2025-04-08.

Conditions:
Type A2 brachydactyly (BDA2). Also called: Brachymesophalangy type 2; BRACHYMESOPHALANGY II; MOHR-WRIEDT TYPE BRACHYDACTYLY. Identifiers: Orphanet 93396, MedGen C1832702, MONDO:0007216, OMIM 112600, HP:0009372.
Acromesomelic dysplasia 3 (AMD3). Also called: CHONDRODYSPLASIA, ACROMESOMELIC, WITH OR WITHOUT GENITAL ANOMALIES; Acromesomelic dysplasia, Demirhan type. Identifiers: MedGen C4225404, MONDO:0012274, OMIM 609441.
Inborn genetic diseases. Identifiers: MedGen C0950123, MeSH D030342.

Allele frequency attached by ClinVar (database versions not stated): TOPMed 0.00001.
gnomAD v4.1: 13 of 1,613,956 alleles (0.00081%); highest among the groups gnomAD compares: South Asian, 0.0022%; no homozygotes.

Submissions (2):

Labcorp Genetics (formerly Invitae), Labcorp
Classification: Uncertain significance for Type A2 brachydactyly; Acromesomelic dysplasia 3. Last evaluated: 2025-04-08. Review status: criteria provided, single submitter. Criteria: Invitae Variant Classification Sherloc (09022015). Collection method: clinical testing. Allele origin: germline.
Comment: This sequence change replaces lysine, which is basic and polar, with glutamic acid, which is acidic and polar, at codon 501 of the BMPR1B protein (p.Lys501Glu). This variant is present in population databases (no rsID available, gnomAD 0.002%). This variant has not been reported in the literature in individuals affected with BMPR1B-related conditions. ClinVar contains an entry for this variant (Variation ID: 2278650). Invitae Evidence Modeling of protein sequence and biophysical properties (such as structural, functional, and spatial information, amino acid conservation, physicochemical variation, residue mobility, and thermodynamic stability) indicates that this missense variant is expected to disrupt BMPR1B protein function with a positive predictive value of 95%. In summary, the available evidence is currently insufficient to determine the role of this variant in disease. Therefore, it has been classified as a Variant of Uncertain Significance.

Ambry Genetics
Classification: Uncertain significance for Inborn genetic diseases. Last evaluated: 2022-03-16. Review status: criteria provided, single submitter. Criteria: Ambry Variant Classification Scheme 2023. Collection method: clinical testing. Allele origin: germline.